The following is an entry in ClinVar:

ClinVar aggregate classification (germline): Pathogenic (1 of 4 stars; one submission).

Conditions:
Cerebral cavernous malformation (CCM). Also called: CAVERNOUS ANGIOMA, FAMILIAL; CAVERNOUS ANGIOMATOUS MALFORMATIONS; CEREBRAL CAPILLARY MALFORMATIONS; Cerebral cavernous malformations; Cavernous Hemangioma of Brain; Cerebral cavernous hemangioma (type). Identifiers: Orphanet 221061, MedGen C2919945, MONDO:0000820, OMIM 116860, HP:0033522.

Submission:

Labcorp Genetics (formerly Invitae), Labcorp
Classification: Pathogenic for Cerebral cavernous malformation. Last evaluated: 2022-05-30. Review status: criteria provided, single submitter. Criteria: Invitae Variant Classification Sherloc (09022015). Collection method: clinical testing. Allele origin: germline.
Comment: This sequence change affects an acceptor splice site in intron 14 of the KRIT1 gene. It is expected to disrupt RNA splicing. Variants that disrupt the donor or acceptor splice site typically lead to a loss of protein function (PMID: 16199547), and loss-of-function variants in KRIT1 are known to be pathogenic (PMID: 10508515, 11222804, 12404106, 24689081). This variant is not present in population databases (gnomAD no frequency). Disruption of this splice site has been observed in individual(s) with cerebral cavernous malformations (PMID: 12854741). This variant is also known as IVS14-1G>T. ClinVar contains an entry for this variant (Variation ID: 468208). Algorithms developed to predict the effect of sequence changes on RNA splicing suggest that this variant may disrupt the consensus splice site. For these reasons, this variant has been classified as Pathogenic.

Literature cited by the submitters: PubMed 16199547; PubMed 10508515; PubMed 11222804; PubMed 12404106; PubMed 24689081; PubMed 12854741.

NM_194454.3(KRIT1):c.1412-1G>T

Gene: KRIT1 (KRIT1 ankyrin repeat containing; minus strand). Cytogenetic location: 7q21.2.
Variant type: single nucleotide variant.
Coding change: c.1412-1G>T on transcript NM_194454.3 (MANE Select); the canonical splice acceptor site of the intron before coding-DNA position 1412, G replaced by T.
Molecular consequence: splice acceptor variant.
Genome position (GRCh38, 1-based): chr7:92,222,054, C>A on the plus strand (G>T on the coding strand, the complement: KRIT1 is on the minus strand). VCF-style: chr7-92222054-C-A. GRCh37 (hg19) VCF-style: chr7-91851368-C-A.
Other names: c.1412-1G>T (NM_001350672.1, NM_001350676.1, NM_001350673.1 and 26 more transcripts); c.1268-1G>T (NM_001350669.1, NM_001013406.2, NM_001350670.1); c.698-1G>T (NM_001350671.1).
Identifiers: ClinVar variation 468208 (VCV000468208.11), dbSNP rs1554513070, ClinGen allele CA368146801.